The following is an entry in ClinVar:

NM_004646.4(NPHS1):c.1939G>T (p.Glu647Ter)

Gene: NPHS1 (NPHS1 adhesion molecule, nephrin; minus strand). Cytogenetic location: 19q13.12.
Variant type: single nucleotide variant.
Coding change: c.1939G>T on transcript NM_004646.4 (MANE Select); coding-DNA position 1939, G replaced by T.
Protein change: p.Glu647Ter; replaces glutamic acid 647 with a stop codon.
Molecular consequence: nonsense.
Genome position (GRCh38, 1-based): chr19:35,844,451, C>A on the plus strand (G>T on the coding strand, the complement: NPHS1 is on the minus strand). VCF-style: chr19-35844451-C-A. GRCh37 (hg19) VCF-style: chr19-36335353-C-A.
Other names: short protein forms E647*.
Identifiers: ClinVar variation 2445906 (VCV002445906.3), dbSNP rs1568454093, ClinGen allele CA405398185.
Genomic context (GRCh38, chr19:35,844,451, plus strand): 5'-GCAGCAACGCCTCGCCCTGCTCCACCGCGGTCACCACCAGCACCTGCTCCCCCAGGAACT[C>A]TGGACGGTCTTCAGAGGGGGCGCCGCAGGGAGTCAAGATTGTTGTTAAGGTTAGGGTCAA-3'

ClinVar aggregate classification (germline): Pathogenic/Likely pathogenic. Review status: criteria provided, multiple submitters, no conflicts (2 of 4 stars). 2 submissions from 2 submitters: Pathogenic (1); Likely pathogenic (1). Last evaluated 2023-02-19.

Conditions:
Finnish congenital nephrotic syndrome (NPHS1). Also called: NEPHROTIC SYNDROME, TYPE 1. Identifiers: Orphanet 839, MedGen C0403399, MONDO:0009732, OMIM 256300.

Submissions (2):

Women's Health and Genetics/Laboratory Corporation of America, LabCorp
Classification: Likely pathogenic for Finnish congenital nephrotic syndrome. Last evaluated: 2023-02-19. Review status: criteria provided, single submitter. Criteria: LabCorp Variant Classification Summary - May 2015. Collection method: clinical testing. Allele origin: germline.
Comment: Variant summary: NPHS1 c.1939G>T (p.Glu647X) results in a premature termination codon, predicted to cause a truncation of the encoded protein or absence of the protein due to nonsense mediated decay, which are commonly known mechanisms for disease. Truncations downstream of this position have been classified as pathogenic by our laboratory. The variant was absent in 194484 control chromosomes (gnomAD). To our knowledge, no occurrence of c.1939G>T in individuals affected with Nephrotic Syndrome, Type 1 and no experimental evidence demonstrating its impact on protein function have been reported. No clinical diagnostic laboratories have submitted clinical-significance assessments for this variant to ClinVar after 2014. Based on the evidence outlined above, the variant was classified as likely pathogenic.

Juno Genomics, Hangzhou Juno Genomics, Inc
Classification: Pathogenic for Finnish congenital nephrotic syndrome. Review status: criteria provided, single submitter. Criteria: ACMG Guidelines, 2015. Collection method: clinical testing. Allele origin: germline. Affected: yes.
Comment: Null variant in a gene where loss of function (LOF) is a known mechanism of disease.;Absent from controls (or at extremely low frequency if recessive) in Genome Aggregation Database, Exome Sequencing Project, 1000 Genomes Project, or Exome Aggregation Consortium.;For recessive disorders, detected in trans with a pathogenic variant.